The following is an entry in ClinVar:

ClinVar aggregate classification (germline): Uncertain significance (1 of 4 stars; one submission).

Allele frequency attached by ClinVar (database versions not stated): gnomAD exomes 0.00001; ExAC 0.00002.
gnomAD v4.1: 16 of 1,614,042 alleles (0.00099%); highest among the groups gnomAD compares: Non-Finnish European, 0.0013%; no homozygotes.

Submission:

Labcorp Genetics (formerly Invitae), Labcorp
Classification: Uncertain significance. Last evaluated: 2024-07-15. Review status: criteria provided, single submitter. Criteria: Invitae Variant Classification Sherloc (09022015). Collection method: clinical testing. Allele origin: germline.
Comment: This sequence change replaces histidine, which is basic and polar, with arginine, which is basic and polar, at codon 485 of the CSF2RB protein (p.His485Arg). This variant is present in population databases (rs762312728, gnomAD 0.003%). This variant has not been reported in the literature in individuals affected with CSF2RB-related conditions. Advanced modeling of protein sequence and biophysical properties (such as structural, functional, and spatial information, amino acid conservation, physicochemical variation, residue mobility, and thermodynamic stability) performed at Invitae indicates that this missense variant is expected to disrupt CSF2RB protein function with a positive predictive value of 80%. In summary, the available evidence is currently insufficient to determine the role of this variant in disease. Therefore, it has been classified as a Variant of Uncertain Significance.

NM_000395.3(CSF2RB):c.1454A>G (p.His485Arg)

Gene: CSF2RB (colony stimulating factor 2 receptor subunit beta; plus strand). Cytogenetic location: 22q12.3.
Variant type: single nucleotide variant.
Coding change: c.1454A>G on transcript NM_000395.3 (MANE Select); coding-DNA position 1454, A replaced by G.
Protein change: p.His485Arg; replaces histidine 485 with arginine.
Molecular consequence: missense variant.
Genome position (GRCh38, 1-based): chr22:36,935,677, A>G. VCF-style: chr22-36935677-A-G. GRCh37 (hg19) VCF-style: chr22-37331719-A-G.
Other names: c.1472A>G, p.His491Arg (NM_001410827.1); short protein forms H485R, H491R.
Identifiers: ClinVar variation 3018279 (VCV003018279.3), dbSNP rs762312728, ClinGen allele CA10213849.